The following is an entry in ClinVar:

ClinVar aggregate classification (germline): Pathogenic (1 of 4 stars; one submission).

Conditions:
Medulloblastoma (MDB). Also called: Medulloblastoma, somatic; MEDULLOBLASTOMA PREDISPOSITION SYNDROME. Identifiers: Orphanet 616, MedGen C0025149, MeSH D008527, MONDO:0007959, OMIM 155255, HP:0002885.
Gorlin syndrome. Also called: Nevoid Basal Cell Carcinoma Syndrome; Basal cell nevus syndrome. Identifiers: Orphanet 377, MedGen C0004779, MONDO:0007187.

Submission:

Labcorp Genetics (formerly Invitae), Labcorp
Classification: Pathogenic for Gorlin syndrome; Medulloblastoma. Last evaluated: 2016-10-16. Review status: criteria provided, single submitter. Criteria: Invitae Variant Classification Sherloc (09022015). Collection method: clinical testing. Allele origin: germline.
Comment: For these reasons, this variant has been classified as Pathogenic. This sequence change inserts 1 nucleotide in exon 1 of the SUFU mRNA (c.171dupC), causing a frameshift at codon 58. This creates a premature translational stop signal (p.Val58Argfs*15) and is expected to result in an absent or disrupted protein product. While this particular variant has not been reported in the literature, loss-of-function variants in SUFU are known to be pathogenic (PMID: 22508808).

Literature cited by the submitters: PubMed 22508808.

NM_016169.4(SUFU):c.171dup (p.Val58fs)

Gene: SUFU (SUFU negative regulator of hedgehog signaling; plus strand). Cytogenetic location: 10q24.32.
Variant type: Duplication.
Coding change: c.171dup on transcript NM_016169.4 (MANE Select); coding-DNA position 171, one base duplicated (C; older notation c.171dupC).
Protein change: p.Val58fs; shifts the reading frame from valine 58.
Molecular consequence: frameshift variant.
Genome position (GRCh38, 1-based): chr10:102,504,323, C duplicated. VCF-style (leftmost placement, unchanged base first): chr10-102504322-T-TC. GRCh37 (hg19) VCF-style: chr10-104264079-T-TC.
Other names: c.171dupC (NM_016169.3); c.171dup, p.Val58fs (NM_001178133.2); short protein forms V58fs.
Identifiers: ClinVar variation 406395 (VCV000406395.7), dbSNP rs1554840869, ClinGen allele CA16612978.